The following is an entry in ClinVar:

ClinVar aggregate classification (germline): Conflicting classifications of pathogenicity. Review status: criteria provided, conflicting classifications (1 of 4 stars). 6 submissions from 5 submitters: Uncertain significance (2); Benign (1); Likely benign (3). Last evaluated 2026-09-17.

Conditions:
LHCGR-related disorder. Also called: LHCGR-related condition.
Gonadotropin-independent familial sexual precocity. Also called: TESTOTOXICOSIS, FAMILIAL; Familial male-limited precocious puberty. Identifiers: Orphanet 3000, MedGen C0342549, MONDO:0008303, OMIM 176410.
Leydig cell agenesis. Also called: Leydig cell hypoplasia, type 1; LEYDIG CELL HYPOPLASIA WITH MALE PSEUDOHERMAPHRODITISM; LEYDIG CELL HYPOPLASIA, COMPLETE; HYPERGONADOTROPIC HYPOGONADISM, MALE, DUE TO LHCGR DEFECT. Identifiers: MedGen C0266432, MONDO:0009384, OMIM 238320.

Allele frequency attached by ClinVar (database versions not stated): gnomAD exomes 0.00012 and 0.00027; ExAC 0.00041; gnomAD 0.00106 and 0.00116; TOPMed 0.00116; 1000 Genomes Project 0.00120; 1000 Genomes Project 30x 0.00125; ESP Exome Variant Server 0.00138.
gnomAD v4.1: 329 of 1,614,102 alleles (0.02%); highest among the groups gnomAD compares: African/African-American, 0.42%; no homozygotes.

Submissions (6):

PreventionGenetics, part of Exact Sciences
Classification: Likely benign for LHCGR-related condition. Last evaluated: 2026-09-17. Review status: criteria provided, single submitter. Criteria: ACMG Guidelines, 2015. Collection method: clinical testing. Allele origin: germline.
Comment: This variant is classified as likely benign based on ACMG/AMP sequence variant interpretation guidelines (Richards et al. 2015 PMID: 25741868, with internal and published modifications).

Labcorp Genetics (formerly Invitae), Labcorp
Classification: Likely benign. Last evaluated: 2025-05-27. Review status: criteria provided, single submitter. Criteria: Invitae Variant Classification Sherloc (09022015). Collection method: clinical testing. Allele origin: germline.

GeneDx
Classification: Uncertain significance. Last evaluated: 2024-05-16. Review status: criteria provided, single submitter. Criteria: GeneDx Variant Classification Process June 2021. Collection method: clinical testing. Allele origin: germline. Affected: yes.
Comment: In silico analysis indicates that this missense variant does not alter protein structure/function; Has not been previously published as pathogenic or benign to our knowledge; This variant is associated with the following publications: (PMID: 26750263)

Eurofins Ntd Llc (ga)
Classification: Uncertain significance. Last evaluated: 2018-02-09. Review status: criteria provided, single submitter. Criteria: EGL ClinVar v180209 classification definitions. Collection method: clinical testing. Allele origin: germline. Observed: 1 variant allele, 1 heterozygote.

Illumina Laboratory Services, Illumina
Classification: Benign for Gonadotropin-independent familial sexual precocity. Last evaluated: 2018-01-13. Review status: criteria provided, single submitter. Criteria: ICSL Variant Classification Criteria 13 December 2019. Collection method: clinical testing. Allele origin: germline.
Comment: This variant was observed in the ICSL laboratory as part of a predisposition screen in an ostensibly healthy population. It had not been previously curated by ICSL or reported in the Human Gene Mutation Database (HGMD: prior to June 1st, 2018), and was therefore a candidate for classification through an automated scoring system. Utilizing variant allele frequency, disease prevalence and penetrance estimates, and inheritance mode, an automated score was calculated to assess if this variant is too frequent to cause the disease. Based on the score and internal cut-off values, a variant classified as benign is not then subjected to further curation. The score for this variant resulted in a classification of benign for this disease.

Illumina Laboratory Services, Illumina
Classification: Likely benign for Leydig cell agenesis. Last evaluated: 2018-01-13. Review status: criteria provided, single submitter. Criteria: ICSL Variant Classification Criteria 13 December 2019. Collection method: clinical testing. Allele origin: germline.
Comment: This variant was observed in the ICSL laboratory as part of a predisposition screen in an ostensibly healthy population. It had not been previously curated by ICSL or reported in the Human Gene Mutation Database (HGMD: prior to June 1st, 2018), and was therefore a candidate for classification through an automated scoring system. Utilizing variant allele frequency, disease prevalence and penetrance estimates, and inheritance mode, an automated score was calculated to assess if this variant is too frequent to cause the disease. Based on the score and internal cut-off values, a variant classified as likely benign is not then subjected to further curation. The score for this variant resulted in a classification of likely benign for this disease.

NM_000233.4(LHCGR):c.1360G>A (p.Val454Ile)

Genes: LHCGR (luteinizing hormone/choriogonadotropin receptor; minus strand), STON1-GTF2A1L (STON1-GTF2A1L readthrough; plus strand). Cytogenetic location: 2p16.3.
Variant type: single nucleotide variant.
Coding change: c.1360G>A on transcript NM_000233.4 (MANE Select); coding-DNA position 1360, G replaced by A.
Protein change: p.Val454Ile; replaces valine 454 with isoleucine.
Molecular consequence: missense variant. On other transcripts: intron variant (1).
Genome position (GRCh38, 1-based): chr2:48,688,437, C>T on the plus strand (G>A on the coding strand, the complement: LHCGR is on the minus strand). VCF-style: chr2-48688437-C-T. GRCh37 (hg19) VCF-style: chr2-48915576-C-T.
Other names: c.3441+16757C>T (NM_001198593.2); short protein forms V454I.
Identifiers: ClinVar variation 336461 (VCV000336461.19), dbSNP rs114320052, ClinGen allele CA1653041.
Genomic context (GRCh38, chr2:48,688,437, plus strand): 5'-GGTGAATAGCATAGGTGATGGTGTGCCATCTTTCTAGAGTGATGACGGTGAGGGTGTAGA[C>T]AGAAAGTTCACTTGCGAATACAGTGAAAAAGCCAGCAGTGCTGCACCCACTCCCTGTCTG-3'
Protein context (NP_000224.2, residues 444-464): FFTVFASELS[Val454Ile]YTLTVITLER